The following is an entry in ClinVar:

NM_177438.3(DICER1):c.1070C>G (p.Ala357Gly)

Gene: DICER1 (dicer 1, ribonuclease III; minus strand). Cytogenetic location: 14q32.13.
Variant type: single nucleotide variant.
Coding change: c.1070C>G on transcript NM_177438.3 (MANE Select); coding-DNA position 1070, C replaced by G.
Protein change: p.Ala357Gly; replaces alanine 357 with glycine.
Molecular consequence: missense variant.
Genome position (GRCh38, 1-based): chr14:95,124,502, G>C on the plus strand (C>G on the coding strand, the complement: DICER1 is on the minus strand). VCF-style: chr14-95124502-G-C. GRCh37 (hg19) VCF-style: chr14-95590839-G-C.
Other names: c.1070C>G, p.Ala357Gly (NM_001195573.1, NM_001271282.3, NM_001291628.2 and 1 more transcripts); short protein forms A357G.
Identifiers: ClinVar variation 647248 (VCV000647248.11), dbSNP rs1555374756, ClinGen allele CA390887024.
Genomic context (GRCh38, chr14:95,124,502, plus strand): 5'-ACTTTAGGAGTTACAAATTTCAGGTCAAGTGAGGCAGGTGAGAAGTGCTCTTCACATAGT[G>C]CATGTATTTTCCTTAGGAAAGTGTCTGTAAACAATAAAAATTTCCTGTGCAGCTCCTCTT-3'
Protein context (NP_803187.1, residues 347-367): FTDTFLRKIH[Ala357Gly]LCEEHFSPAS

ClinVar aggregate classification (germline): Uncertain significance. Review status: criteria provided, multiple submitters, no conflicts (2 of 4 stars). 3 submissions from 3 submitters: Uncertain significance (3). Last evaluated 2025-11-09.

Conditions:
DICER1-related tumor predisposition. Also called: DICER1-related pleuropulmonary blastoma cancer predisposition syndrome; DICER1 syndrome. Identifiers: Orphanet 284343, MedGen C3839822, MONDO:0100216.
Hereditary cancer-predisposing syndrome. Also called: Hereditary Cancer Syndrome; Tumor predisposition; Neoplastic Syndromes, Hereditary; Hereditary neoplastic syndrome. Identifiers: Orphanet 140162, MedGen C0027672, MeSH D009386, MONDO:0015356.

gnomAD v4.1: 1 of 1,614,070 alleles (0.000062%); highest among the groups gnomAD compares: Non-Finnish European, 0.000085%; no homozygotes.

Submissions (3):

Labcorp Genetics (formerly Invitae), Labcorp
Classification: Uncertain significance for DICER1-related tumor predisposition. Last evaluated: 2025-11-09. Review status: criteria provided, single submitter. Criteria: Invitae Variant Classification Sherloc (09022015). Collection method: clinical testing. Allele origin: germline.
Comment: This sequence change replaces alanine, which is neutral and non-polar, with glycine, which is neutral and non-polar, at codon 357 of the DICER1 protein (p.Ala357Gly). This variant is not present in population databases (gnomAD no frequency). This variant has not been reported in the literature in individuals affected with DICER1-related conditions. ClinVar contains an entry for this variant (Variation ID: 647248). Invitae Evidence Modeling of protein sequence and biophysical properties (such as structural, functional, and spatial information, amino acid conservation, physicochemical variation, residue mobility, and thermodynamic stability) indicates that this missense variant is not expected to disrupt DICER1 protein function with a negative predictive value of 95%. In summary, the available evidence is currently insufficient to determine the role of this variant in disease. Therefore, it has been classified as a Variant of Uncertain Significance.

Ambry Genetics
Classification: Uncertain significance for Hereditary cancer-predisposing syndrome. Last evaluated: 2023-07-24. Review status: criteria provided, single submitter. Criteria: Ambry Variant Classification Scheme 2023. Collection method: clinical testing. Allele origin: germline.
Comment: The p.A357G variant (also known as c.1070C>G), located in coding exon 7 of the DICER1 gene, results from a C to G substitution at nucleotide position 1070. The alanine at codon 357 is replaced by glycine, an amino acid with similar properties. This amino acid position is highly conserved in available vertebrate species. In addition, this alteration is predicted to be tolerated by in silico analysis. Since supporting evidence is limited at this time, the clinical significance of this alteration remains unclear.

Institute for Clinical Genetics, University Hospital TU Dresden, University Hospital TU Dresden
Classification: Uncertain significance. Last evaluated: 2021-11-03. Review status: criteria provided, single submitter. Criteria: ACMG Guidelines, 2015. Collection method: clinical testing. Allele origin: germline.